The following is an entry in ClinVar:

ClinVar aggregate classification (germline): Uncertain significance (1 of 4 stars; one submission).

Conditions:
Familial thoracic aortic aneurysm and aortic dissection (TAAD). Also called: Thoracic aortic aneurysms and dissections. Identifiers: Orphanet 91387, MedGen C4707243, MONDO:0019625.

Submission:

Ambry Genetics
Classification: Uncertain significance for Familial thoracic aortic aneurysm and aortic dissection. Last evaluated: 2023-02-21. Review status: criteria provided, single submitter. Criteria: Ambry Variant Classification Scheme 2023. Collection method: clinical testing. Allele origin: germline.
Comment: The c.3326-3C>T intronic variant results from a C to T substitution 3 nucleotides upstream from coding exon 21 in the NOTCH1 gene. This nucleotide position is well conserved in available vertebrate species. In silico splice site analysis predicts that this alteration will not have any significant effect on splicing. Since supporting evidence is limited at this time, the clinical significance of this alteration remains unclear.

NM_017617.5(NOTCH1):c.3326-3C>T

Gene: NOTCH1 (notch receptor 1; minus strand). Cytogenetic location: 9q34.3.
Variant type: single nucleotide variant.
Coding change: c.3326-3C>T on transcript NM_017617.5 (MANE Select); 3 bases into the intron before coding-DNA position 3326, C replaced by T.
Molecular consequence: intron variant.
Genome position (GRCh38, 1-based): chr9:136,508,142, G>A on the plus strand (C>T on the coding strand, the complement: NOTCH1 is on the minus strand). VCF-style: chr9-136508142-G-A. GRCh37 (hg19) VCF-style: chr9-139402594-G-A.
Identifiers: ClinVar variation 2452190 (VCV002452190.2), dbSNP rs2133346676, ClinGen allele CA467833410.
Genomic context (GRCh38, chr9:136,508,142, plus strand): 5'-GTGTTGCCCGCGTCCACACAGAGCCCTCCATGCTGGCACAGGCGGGCAACGTCAACACCT[G>A]CGGGGGATGGGGTGGTAGACAGGTGAGGCCCAGGCCCACAGAGGACCTTGATGGGCTGGG-3'